The following is an entry in ClinVar:

ClinVar aggregate classification (germline): Likely benign. Review status: criteria provided, single submitter (1 of 4 stars). 2 submissions from 2 submitters: Likely benign (1). 1 of the submissions does not count toward it. Last evaluated 2022-12-01.

Conditions:
HERC2-related disorder. Also called: HERC2-related condition.

Allele frequency attached by ClinVar (database versions not stated): gnomAD exomes 0.00704; gnomAD 0.01009 and 0.01043; ESP Exome Variant Server 0.01277; ExAC 0.01576; 1000 Genomes Project 30x 0.01624.

Submissions (2):

CeGaT Center for Human Genetics Tuebingen
Classification: Likely benign. Last evaluated: 2022-12-01. Review status: criteria provided, single submitter. Criteria: CeGaT Center For Human Genetics Tuebingen Variant Classification Criteria Version 2. Collection method: clinical testing. Allele origin: germline. Affected: yes. Observed: 5 variant alleles.
Comment: HERC2: BP4, BP7, BS1

PreventionGenetics, part of Exact Sciences
Classification: Benign for HERC2-related condition. Last evaluated: 2024-08-02. Review status: no assertion criteria provided. Collection method: clinical testing. Allele origin: germline. Not counted in ClinVar's aggregate classification.
Comment: This variant is classified as benign based on ACMG/AMP sequence variant interpretation guidelines (Richards et al. 2015 PMID: 25741868, with internal and published modifications).

NM_004667.6(HERC2):c.9885G>A (p.Thr3295=)

Gene: HERC2 (HECT and RLD domain containing E3 ubiquitin protein ligase 2; minus strand). Cytogenetic location: 15q13.1.
Variant type: single nucleotide variant.
Coding change: c.9885G>A on transcript NM_004667.6 (MANE Select); coding-DNA position 9885, G replaced by A.
Protein change: p.Thr3295=; no amino-acid change (threonine 3295 retained).
Molecular consequence: synonymous variant.
Genome position (GRCh38, 1-based): chr15:28,174,567, C>T on the plus strand (G>A on the coding strand, the complement: HERC2 is on the minus strand). VCF-style: chr15-28174567-C-T. GRCh37 (hg19) VCF-style: chr15-28419713-C-T.
Other names: c.9885G>A (NM_004667.5).
Identifiers: ClinVar variation 1694737 (VCV001694737.31), dbSNP rs113016718, ClinGen allele CA7441022.